The following is an entry in ClinVar:

NM_006236.3(POU3F3):c.816_817insAACCAC (p.His272_His273insAsnHis)

Gene: POU3F3 (POU class 3 homeobox 3; plus strand). Cytogenetic location: 2q12.1.
Variant type: Insertion.
Coding change: c.816_817insAACCAC on transcript NM_006236.3 (MANE Select); coding-DNA positions 816 to 817, AACCAC inserted.
Protein change: p.His272_His273insAsnHis.
Molecular consequence: inframe insertion.
Genome position: GRCh38 VCF-style: chr2-104856321-C-CACCACA. GRCh37 (hg19) VCF-style: chr2-105472779-C-CACCACA.
Other names: c.816_817insAACCAC, p.His272_His273insAsnHis (NM_001433704.1).
Identifiers: ClinVar variation 4755804 (VCV004755804.1).

ClinVar aggregate classification (germline): Uncertain significance (1 of 4 stars; one submission).

Submission:

GeneDx
Classification: Uncertain significance. Last evaluated: 2025-08-05. Review status: criteria provided, single submitter. Criteria: GeneDx Variant Classification Process June 2021. Collection method: clinical testing. Allele origin: germline. Affected: yes.
Comment: Not observed at significant frequency in large population cohorts (gnomAD); In-frame insertion of 2 amino acids in a non-repeat region; Has not been previously published as pathogenic or benign to our knowledge